The following is an entry in ClinVar:

NM_175053.4(KRT74):c.1141A>G (p.Ser381Gly)

Gene: KRT74 (keratin 74; minus strand). Cytogenetic location: 12q13.13.
Variant type: single nucleotide variant.
Coding change: c.1141A>G on transcript NM_175053.4 (MANE Select); coding-DNA position 1141, A replaced by G.
Protein change: p.Ser381Gly; replaces serine 381 with glycine.
Molecular consequence: missense variant.
Genome position (GRCh38, 1-based): chr12:52,568,383, T>C on the plus strand (A>G on the coding strand, the complement: KRT74 is on the minus strand). VCF-style: chr12-52568383-T-C. GRCh37 (hg19) VCF-style: chr12-52962167-T-C.
Other names: c.1141A>G (NM_175053.3); short protein forms S381G.
Identifiers: ClinVar variation 2039430 (VCV002039430.6), dbSNP rs143856828, ClinGen allele CA6583750.

ClinVar aggregate classification (germline): Benign. Review status: criteria provided, single submitter (1 of 4 stars). 2 submissions from 2 submitters: Benign (1). 1 of the submissions does not count toward it. Last evaluated 2026-01-27.

Conditions:
KRT74-related disorder. Also called: KRT74-related condition.

Allele frequency attached by ClinVar (database versions not stated): 1000 Genomes Project 30x 0.01046; 1000 Genomes Project 0.01138; ESP Exome Variant Server 0.01199; TOPMed 0.01235; gnomAD 0.01333; gnomAD exomes 0.01498; ExAC 0.01499.

Submissions (2):

Labcorp Genetics (formerly Invitae), Labcorp
Classification: Benign. Last evaluated: 2026-01-27. Review status: criteria provided, single submitter. Criteria: Invitae Variant Classification Sherloc (09022015). Collection method: clinical testing. Allele origin: germline.

PreventionGenetics, part of Exact Sciences
Classification: Benign for KRT74-related condition. Last evaluated: 2019-06-27. Review status: no assertion criteria provided. Collection method: clinical testing. Allele origin: germline. Not counted in ClinVar's aggregate classification.
Comment: This variant is classified as benign based on ACMG/AMP sequence variant interpretation guidelines (Richards et al. 2015 PMID: 25741868, with internal and published modifications).